The following is an entry in ClinVar:

ClinVar aggregate classification (germline): Uncertain significance (1 of 4 stars; one submission).

Conditions:
Hypertrophic cardiomyopathy. Also called: HYPERTROPHIC MYOCARDIOPATHY. Identifiers: Orphanet 217569, MedGen C0007194, MeSH D002312, MONDO:0005045, HP:0001639.

Submission:

Labcorp Genetics (formerly Invitae), Labcorp
Classification: Uncertain significance for Hypertrophic cardiomyopathy. Last evaluated: 2022-01-21. Review status: criteria provided, single submitter. Criteria: Invitae Variant Classification Sherloc (09022015). Collection method: clinical testing. Allele origin: germline.
Comment: This sequence change falls in intron 24 of the MYBPC3 gene. It does not directly change the encoded amino acid sequence of the MYBPC3 protein. It affects a nucleotide within the consensus splice site. This variant is not present in population databases (gnomAD no frequency). This variant has not been reported in the literature in individuals affected with MYBPC3-related conditions. Variants that disrupt the consensus splice site are a relatively common cause of aberrant splicing (PMID: 17576681, 9536098). Experimental studies and prediction algorithms are not available or were not evaluated, and the effect of this variant on mRNA splicing is currently unknown. In summary, the available evidence is currently insufficient to determine the role of this variant in disease. Therefore, it has been classified as a Variant of Uncertain Significance.

Literature cited by the submitters: PubMed 17576681; PubMed 9536098.

NM_000256.3(MYBPC3):c.2414-3C>G

Gene: MYBPC3 (myosin binding protein C3; minus strand). Cytogenetic location: 11p11.2.
Variant type: single nucleotide variant.
Coding change: c.2414-3C>G on transcript NM_000256.3 (MANE Select); 3 bases into the intron before coding-DNA position 2414, C replaced by G.
Molecular consequence: intron variant.
Genome position (GRCh38, 1-based): chr11:47,337,582, G>C on the plus strand (C>G on the coding strand, the complement: MYBPC3 is on the minus strand). VCF-style: chr11-47337582-G-C. GRCh37 (hg19) VCF-style: chr11-47359133-G-C.
Identifiers: ClinVar variation 1399777 (VCV001399777.6), dbSNP rs2142855549, ClinGen allele CA2573146815.
Genomic context (GRCh38, chr11:47,337,582, plus strand): 5'-TCGAAGTTCAGCCGCATCCACCGGTAGCTCTTCTTCTTCTTGCGCTCCAGGATGTAGCCT[G>C]GCTCAGGGGAGGTGGCAGCTCTGGTCTGGAACCCAGGCATCCCCACACCACCTTCCCTCG-3'